The following is an entry in ClinVar:

NM_000318.3(PEX2):c.195G>T (p.Trp65Cys)

Gene: PEX2 (peroxisomal biogenesis factor 2; minus strand). Cytogenetic location: 8q21.13.
Variant type: single nucleotide variant.
Coding change: c.195G>T on transcript NM_000318.3 (MANE Select); coding-DNA position 195, G replaced by T.
Protein change: p.Trp65Cys; replaces tryptophan 65 with cysteine.
Molecular consequence: missense variant.
Genome position (GRCh38, 1-based): chr8:76,983,984, C>A on the plus strand (G>T on the coding strand, the complement: PEX2 is on the minus strand). VCF-style: chr8-76983984-C-A. GRCh37 (hg19) VCF-style: chr8-77896220-C-A.
Other names: c.195G>T, p.Trp65Cys (NM_001079867.2, NM_001172086.2, NM_001172087.2); c.195G>T (NM_000318.2); short protein forms W65C.
Identifiers: ClinVar variation 1514263 (VCV001514263.6), dbSNP rs771377186, ClinGen allele CA4788755.

ClinVar aggregate classification (germline): Uncertain significance. Review status: criteria provided, multiple submitters, no conflicts (2 of 4 stars). 2 submissions from 2 submitters: Uncertain significance (2). Last evaluated 2023-10-02.

Conditions:
Peroxisome biogenesis disorder 5A (Zellweger) (PBD5A). Identifiers: Orphanet 912, MedGen C3553940, MONDO:0013932, OMIM 614866.
Inborn genetic diseases. Identifiers: MedGen C0950123, MeSH D030342.

Allele frequency attached by ClinVar (database versions not stated): gnomAD exomes below 0.00001; ExAC 0.00001; gnomAD 0.00001; TOPMed 0.00001.
gnomAD v4.1: 1 of 1,613,996 alleles (0.000062%); highest among the groups gnomAD compares: African/African-American, 0.0013%; no homozygotes.

Submissions (2):

Ambry Genetics
Classification: Uncertain significance for Inborn genetic diseases. Last evaluated: 2023-10-02. Review status: criteria provided, single submitter. Criteria: Ambry Variant Classification Scheme 2023. Collection method: clinical testing. Allele origin: germline.

Labcorp Genetics (formerly Invitae), Labcorp
Classification: Uncertain significance for Peroxisome biogenesis disorder 5A (Zellweger). Last evaluated: 2022-03-20. Review status: criteria provided, single submitter. Criteria: Invitae Variant Classification Sherloc (09022015). Collection method: clinical testing. Allele origin: germline.
Comment: This sequence change replaces tryptophan, which is neutral and slightly polar, with cysteine, which is neutral and slightly polar, at codon 65 of the PEX2 protein (p.Trp65Cys). This variant is present in population databases (rs771377186, gnomAD 0.007%). This variant has not been reported in the literature in individuals affected with PEX2-related conditions. Algorithms developed to predict the effect of missense changes on protein structure and function (SIFT, PolyPhen-2, Align-GVGD) all suggest that this variant is likely to be disruptive. Algorithms developed to predict the effect of sequence changes on RNA splicing suggest that this variant may create or strengthen a splice site. In summary, the available evidence is currently insufficient to determine the role of this variant in disease. Therefore, it has been classified as a Variant of Uncertain Significance.